The following is an entry in ClinVar:

ClinVar aggregate classification (germline): Uncertain significance (1 of 4 stars; one submission).

Conditions:
Bethlem myopathy 1A. Also called: MYOPATHY, BENIGN CONGENITAL, WITH CONTRACTURES; Bethlem myopathy 1; Bethlem Muscular Dystrophy. Identifiers: Orphanet 610, MedGen CN029274, MONDO:0024530, OMIM 158810.

Allele frequency attached by ClinVar (database versions not stated): gnomAD 0.00001; gnomAD exomes 0.00001; TOPMed 0.00002.
gnomAD v4.1: 15 of 1,613,420 alleles (0.00093%); highest among the groups gnomAD compares: East Asian, 0.0022%; no homozygotes.

Submission:

Labcorp Genetics (formerly Invitae), Labcorp
Classification: Uncertain significance for Bethlem myopathy 1A. Last evaluated: 2021-08-04. Review status: criteria provided, single submitter. Criteria: Invitae Variant Classification Sherloc (09022015). Collection method: clinical testing. Allele origin: germline.
Comment: This sequence change falls in intron 17 of the COL6A1 gene. It does not directly change the encoded amino acid sequence of the COL6A1 protein. It affects a nucleotide within the consensus splice site of the intron. This variant is not present in population databases (ExAC no frequency). This variant has been observed in individual(s) with clinical features of autosomal dominant COL6A1-related conditions (PMID: 31130284). ClinVar contains an entry for this variant (Variation ID: 855619). Nucleotide substitutions within the consensus splice site are a relatively common cause of aberrant splicing (PMID: 17576681, 9536098). Algorithms developed to predict the effect of sequence changes on RNA splicing suggest that this variant is not likely to affect RNA splicing. In summary, the available evidence is currently insufficient to determine the role of this variant in disease. Therefore, it has been classified as a Variant of Uncertain Significance.

Literature cited by the submitters: PubMed 31130284; PubMed 17576681; PubMed 9536098.

NM_001848.3(COL6A1):c.1236+3G>A

Gene: COL6A1 (collagen type VI alpha 1 chain; plus strand). Cytogenetic location: 21q22.3.
Variant type: single nucleotide variant.
Coding change: c.1236+3G>A on transcript NM_001848.3 (MANE Select); 3 bases into the intron after coding-DNA position 1236, G replaced by A.
Molecular consequence: intron variant.
Genome position (GRCh38, 1-based): chr21:45,992,220, G>A. VCF-style: chr21-45992220-G-A. GRCh37 (hg19) VCF-style: chr21-47412134-G-A.
Identifiers: ClinVar variation 855619 (VCV000855619.8), dbSNP rs968780030, ClinGen allele CA321966712.